The following is an entry in ClinVar:

NM_001148.6(ANK2):c.4114G>A (p.Asp1372Asn)

Gene: ANK2 (ankyrin 2; plus strand). Cytogenetic location: 4q26.
Variant type: single nucleotide variant.
Coding change: c.4114G>A on transcript NM_001148.6 (MANE Select); coding-DNA position 4114, G replaced by A.
Protein change: p.Asp1372Asn; replaces aspartic acid 1372 with asparagine.
Molecular consequence: missense variant.
Genome position (GRCh38, 1-based): chr4:113,341,908, G>A. VCF-style: chr4-113341908-G-A. GRCh37 (hg19) VCF-style: chr4-114263064-G-A.
Other names: c.4087G>A, p.Asp1363Asn (NM_001127493.3); c.4126G>A, p.Asp1376Asn (NM_001354225.2); c.4015G>A, p.Asp1339Asn (NM_001354228.2, NM_001354258.2); c.4093G>A, p.Asp1365Asn (NM_001354230.2); c.4156G>A, p.Asp1386Asn (NM_001354231.2, NM_001354242.2); c.4150G>A, p.Asp1384Asn (NM_001354232.2); c.4111G>A, p.Asp1371Asn (NM_001354235.2, NM_001354246.2, NM_001354265.2); c.4012G>A, p.Asp1338Asn (NM_001354236.2); and 31 more; short protein forms D1244N, D1317N, D1350N, D1355N, D1362N, D1384N, D1386N, D1387N.
Identifiers: ClinVar variation 1737948 (VCV001737948.2), dbSNP rs2503842736, ClinGen allele CA357910384.
Genomic context (GRCh38, chr4:113,341,908, plus strand): 5'-GATAAAGTGGATAAGACCCTTGAACAACAAGAAAATTTTGCTGAGGTGGCCAGAAGCAGG[G>A]ATGTGGAGGTACTGTACCAAAAATAATAATAATAATTTATGCCATGTTGTTATACCTGCA-3'
Protein context (NP_001139.3, residues 1362-1382): ENFAEVARSR[Asp1372Asn]VEVLEGKPIY

ClinVar aggregate classification (germline): Uncertain significance (1 of 4 stars; one submission).

Conditions:
Cardiovascular phenotype. Identifiers: MedGen CN230736.

Submission:

Ambry Genetics
Classification: Uncertain significance for Cardiovascular phenotype. Last evaluated: 2022-03-30. Review status: criteria provided, single submitter. Criteria: Ambry Variant Classification Scheme 2023. Collection method: clinical testing. Allele origin: germline.
Comment: The p.D1372N variant (also known as c.4114G>A), located in coding exon 33 of the ANK2 gene, results from a G to A substitution at nucleotide position 4114. The aspartic acid at codon 1372 is replaced by asparagine, an amino acid with highly similar properties. This amino acid position is conserved. In addition, this alteration is predicted to be tolerated by in silico analysis. Since supporting evidence is limited at this time, the clinical significance of this alteration remains unclear.